The following is an entry in ClinVar:

NM_004104.5(FASN):c.6208G>A (p.Val2070Met)

Gene: FASN (fatty acid synthase; minus strand). Cytogenetic location: 17q25.3.
Variant type: single nucleotide variant.
Coding change: c.6208G>A on transcript NM_004104.5 (MANE Select); coding-DNA position 6208, G replaced by A.
Protein change: p.Val2070Met; replaces valine 2070 with methionine.
Molecular consequence: missense variant.
Genome position (GRCh38, 1-based): chr17:82,081,799, C>T on the plus strand (G>A on the coding strand, the complement: FASN is on the minus strand). VCF-style: chr17-82081799-C-T. GRCh37 (hg19) VCF-style: chr17-80039675-C-T.
Other names: short protein forms V2070M.
Identifiers: ClinVar variation 2901867 (VCV002901867.3), dbSNP rs1172366289, ClinGen allele CA401601519.

ClinVar aggregate classification (germline): Uncertain significance (1 of 4 stars; one submission).

Conditions:
Epileptic encephalopathy. Identifiers: MedGen C0543888, HP:0200134.

Allele frequency attached by ClinVar (database versions not stated): gnomAD 0.00001; gnomAD exomes 0.00001; TOPMed 0.00001.
gnomAD v4.1: 13 of 1,611,926 alleles (0.00081%); highest among the groups gnomAD compares: African/African-American, 0.0027%; no homozygotes.

Submission:

Labcorp Genetics (formerly Invitae), Labcorp
Classification: Uncertain significance for Epileptic encephalopathy. Last evaluated: 2023-06-05. Review status: criteria provided, single submitter. Criteria: Invitae Variant Classification Sherloc (09022015). Collection method: clinical testing. Allele origin: germline.
Comment: This variant has not been reported in the literature in individuals affected with FASN-related conditions. In summary, the available evidence is currently insufficient to determine the role of this variant in disease. Therefore, it has been classified as a Variant of Uncertain Significance. Algorithms developed to predict the effect of missense changes on protein structure and function output the following: SIFT: "Not Available"; PolyPhen-2: "Benign"; Align-GVGD: "Not Available". The methionine amino acid residue is found in multiple mammalian species, which suggests that this missense change does not adversely affect protein function. The frequency data for this variant in the population databases is considered unreliable, as metrics indicate poor data quality at this position in the gnomAD database. This sequence change replaces valine, which is neutral and non-polar, with methionine, which is neutral and non-polar, at codon 2070 of the FASN protein (p.Val2070Met).